The following is an entry in ClinVar:

ClinVar aggregate classification (germline): Uncertain significance (1 of 4 stars; one submission).

gnomAD v4.1: 5 of 1,481,868 alleles (0.00034%); highest among the groups gnomAD compares: Non-Finnish European, 0.00045%; no homozygotes.

Submission:

Labcorp Genetics (formerly Invitae), Labcorp
Classification: Uncertain significance. Last evaluated: 2024-06-04. Review status: criteria provided, single submitter. Criteria: Invitae Variant Classification Sherloc (09022015). Collection method: clinical testing. Allele origin: germline.
Comment: This sequence change replaces valine, which is neutral and non-polar, with methionine, which is neutral and non-polar, at codon 690 of the BCL11B protein (p.Val690Met). The frequency data for this variant in the population databases is considered unreliable, as metrics indicate poor data quality at this position in the gnomAD database. This variant has not been reported in the literature in individuals affected with BCL11B-related conditions. Advanced modeling of protein sequence and biophysical properties (such as structural, functional, and spatial information, amino acid conservation, physicochemical variation, residue mobility, and thermodynamic stability) performed at Invitae indicates that this missense variant is not expected to disrupt BCL11B protein function with a negative predictive value of 80%. In summary, the available evidence is currently insufficient to determine the role of this variant in disease. Therefore, it has been classified as a Variant of Uncertain Significance.

NM_138576.4(BCL11B):c.2068G>A (p.Val690Met)

Gene: BCL11B (BCL11 transcription factor B; minus strand). Cytogenetic location: 14q32.2.
Variant type: single nucleotide variant.
Coding change: c.2068G>A on transcript NM_138576.4 (MANE Select); coding-DNA position 2068, G replaced by A.
Protein change: p.Val690Met; replaces valine 690 with methionine.
Molecular consequence: missense variant.
Genome position (GRCh38, 1-based): chr14:99,174,768, C>T on the plus strand (G>A on the coding strand, the complement: BCL11B is on the minus strand). VCF-style: chr14-99174768-C-T. GRCh37 (hg19) VCF-style: chr14-99641105-C-T.
Other names: c.2065G>A, p.Val689Met (NM_001282237.2); c.1852G>A, p.Val618Met (NM_001282238.2); c.1855G>A, p.Val619Met (NM_022898.3); short protein forms V689M, V618M, V690M, V619M.
Identifiers: ClinVar variation 3651489 (VCV003651489.2).